The following is an entry in ClinVar:

ClinVar aggregate classification (germline): Uncertain significance. Review status: criteria provided, multiple submitters, no conflicts (2 of 4 stars). 2 submissions from 2 submitters: Uncertain significance (2). Last evaluated 2025-12-08.

Conditions:
Hereditary cancer-predisposing syndrome. Also called: Tumor predisposition; Hereditary Cancer Syndrome; Hereditary neoplastic syndrome; Neoplastic Syndromes, Hereditary. Identifiers: Orphanet 140162, MedGen C0027672, MeSH D009386, MONDO:0015356.
Hereditary nonpolyposis colorectal neoplasms. Identifiers: MedGen C0009405, MeSH D003123.

gnomAD v4.1: 3 of 1,610,710 alleles (0.00019%); highest among the groups gnomAD compares: Non-Finnish European, 0.00025%; no homozygotes.

Submissions (2):

Labcorp Genetics (formerly Invitae), Labcorp
Classification: Uncertain significance for Hereditary nonpolyposis colorectal neoplasms. Last evaluated: 2025-12-08. Review status: criteria provided, single submitter. Criteria: Invitae Variant Classification Sherloc (09022015). Collection method: clinical testing. Allele origin: germline.
Comment: This sequence change replaces phenylalanine, which is neutral and non-polar, with leucine, which is neutral and non-polar, at codon 1190 of the MSH6 protein (p.Phe1190Leu). This variant is present in population databases (rs778651272, gnomAD 0.002%). This variant has not been reported in the literature in individuals affected with MSH6-related conditions. ClinVar contains an entry for this variant (Variation ID: 3296424). Invitae Evidence Modeling of protein sequence and biophysical properties (such as structural, functional, and spatial information, amino acid conservation, physicochemical variation, residue mobility, and thermodynamic stability) indicates that this missense variant is expected to disrupt MSH6 protein function with a positive predictive value of 80%. In summary, the available evidence is currently insufficient to determine the role of this variant in disease. Therefore, it has been classified as a Variant of Uncertain Significance.

Ambry Genetics
Classification: Uncertain significance for Hereditary cancer-predisposing syndrome. Last evaluated: 2024-06-14. Review status: criteria provided, single submitter. Criteria: Ambry Variant Classification Scheme 2023. Collection method: clinical testing. Allele origin: germline.
Comment: The p.F1190L variant (also known as c.3568T>C), located in coding exon 7 of the MSH6 gene, results from a T to C substitution at nucleotide position 3568. The phenylalanine at codon 1190 is replaced by leucine, an amino acid with highly similar properties. This amino acid position is conserved. In addition, this alteration is predicted to be deleterious by in silico analysis. Based on the available evidence, the clinical significance of this variant remains unclear.

NM_000179.3(MSH6):c.3568T>C (p.Phe1190Leu)

Gene: MSH6 (mutS homolog 6; plus strand). Cytogenetic location: 2p16.3.
Variant type: single nucleotide variant.
Coding change: c.3568T>C on transcript NM_000179.3 (MANE Select); coding-DNA position 3568, T replaced by C.
Protein change: p.Phe1190Leu; replaces phenylalanine 1190 with leucine.
Molecular consequence: missense variant. On other transcripts: non-coding transcript variant (5).
Genome position (GRCh38, 1-based): chr2:47,805,629, T>C. VCF-style: chr2-47805629-T-C. GRCh37 (hg19) VCF-style: chr2-48032768-T-C.
Other names: c.3178T>C, p.Phe1060Leu (NM_001281492.2); c.2662T>C, p.Phe888Leu (NM_001281493.2, NM_001281494.2, NM_001406811.1 and 6 more transcripts); c.3664T>C, p.Phe1222Leu (NM_001406795.1, NM_001406802.1); c.3568T>C, p.Phe1190Leu (NM_001406796.1, NM_001406800.1, NM_001406808.1 and 1 more transcripts); c.3271T>C, p.Phe1091Leu (NM_001406797.1, NM_001406801.1, NM_001406805.1 and 10 more transcripts); c.3394T>C, p.Phe1132Leu (NM_001406798.1); c.3043T>C, p.Phe1015Leu (NM_001406799.1, NM_001406806.1, NM_001406807.1); c.2704T>C, p.Phe902Leu (NM_001406803.1); and 7 more; short protein forms F1132L, F505L, F668L, F888L, F1091L, F1190L, F1060L, F1192L.
Identifiers: ClinVar variation 3296424 (VCV003296424.2).